The following is an entry in ClinVar:

NM_000069.3(CACNA1S):c.892C>A (p.Leu298Ile)

Gene: CACNA1S (calcium voltage-gated channel subunit alpha1 S; minus strand). Cytogenetic location: 1q32.1.
Variant type: single nucleotide variant.
Coding change: c.892C>A on transcript NM_000069.3 (MANE Select); coding-DNA position 892, C replaced by A.
Protein change: p.Leu298Ile; replaces leucine 298 with isoleucine.
Molecular consequence: missense variant.
Genome position (GRCh38, 1-based): chr1:201,089,266, G>T on the plus strand (C>A on the coding strand, the complement: CACNA1S is on the minus strand). VCF-style: chr1-201089266-G-T. GRCh37 (hg19) VCF-style: chr1-201058394-G-T.
Other names: short protein forms L298I.
Identifiers: ClinVar variation 4757965 (VCV004757965.1).

ClinVar aggregate classification (germline): Uncertain significance (1 of 4 stars; one submission).

Conditions:
Malignant hyperthermia, susceptibility to, 5 (MHS5). Also called: CACNA1S-Related Malignant Hyperthermia Susceptibility. Identifiers: Orphanet 423, MedGen C1866077, MONDO:0011163, OMIM 601887.

gnomAD v4.1: 8 of 1,614,234 alleles (0.0005%); highest among the groups gnomAD compares: East Asian, 0.018%; no homozygotes.

Submission:

Color Diagnostics, LLC DBA Color Health
Classification: Uncertain significance for Malignant hyperthermia, susceptibility to, 5. Last evaluated: 2025-08-17. Review status: criteria provided, single submitter. Criteria: ACMG Guidelines, 2015. Collection method: clinical testing. Allele origin: germline.
Comment: This missense variant replaces leucine with isoleucine at codon 298 of the CACNA1S protein. Computational prediction suggests that this variant may have deleterious impact on protein structure and function. To our knowledge, functional studies have not been reported for this variant. This variant has not been reported in individuals affected with CACNA1S-related disorders in the literature. This variant has not been identified in the general population by the Genome Aggregation Database (gnomAD). The available evidence is insufficient to determine the role of this variant in disease conclusively. Therefore, this variant is classified as a Variant of Uncertain Significance.